The following is an entry in ClinVar:

NM_005199.5(CHRNG):c.1010_1011del (p.His337fs)

Gene: CHRNG (cholinergic receptor nicotinic gamma subunit; plus strand). Cytogenetic location: 2q37.1.
Variant type: Microsatellite.
Coding change: c.1010_1011del on transcript NM_005199.5 (MANE Select); coding-DNA positions 1010 to 1011, 2 bases deleted (AC; older notation c.1010_1011delAC).
Protein change: p.His337fs; shifts the reading frame from histidine 337.
Molecular consequence: frameshift variant.
Genome position (GRCh38, 1-based): chr2:232,543,674-232,543,675, AC deleted; deleting any 2 consecutive bases within chr2:232,543,665-232,543,675 gives the same sequence; the c. name uses the placement nearest the transcript's 3' end. VCF-style (leftmost placement, unchanged base first): chr2-232543664-CCA-C. GRCh37 (hg19) VCF-style: chr2-233408374-CCA-C.
Other names: short protein forms H337fs.
Identifiers: ClinVar variation 3391317 (VCV003391317.1).
Genomic context (GRCh38, chr2:232,543,664, plus strand): 5'-GTGGTGACCATCCTCATTGTCGTGAATGCTGTGGTTGTGCTCAATGTCTCCTTGCGGTCT[CCA>C]CACACACACTCCATGGCCCGAGGGGTCCGCAAGGCAAGGACCCTCCCTGCCCACTTCAAC-3'

ClinVar aggregate classification (germline): Likely pathogenic (1 of 4 stars; one submission).

Conditions:
Autosomal recessive multiple pterygium syndrome. Also called: MULTIPLE PTERYGIUM SYNDROME, ESCOBAR VARIANT; PTERYGIUM COLLI SYNDROME; PTERYGIUM SYNDROME; PTERYGIUM UNIVERSALE. Identifiers: Orphanet 2990, MedGen C0265261, MONDO:0009926, OMIM 265000.

Submission:

Neuberg Centre For Genomic Medicine, NCGM
Classification: Likely pathogenic for Autosomal recessive multiple pterygium syndrome. Review status: criteria provided, single submitter. Criteria: ACMG Guidelines, 2015. Collection method: clinical testing. Allele origin: germline. Inheritance: Autosomal recessive inheritance. Affected: yes.
Comment: The frameshift variant c.1010_1011del p.His337LeufsTer60 in the CHRNG gene has not been reported previously as a pathogenic variant nor as a benign variant, to our knowledge. The variant is absent in the gnomAD Exomes. This variant causes a frameshift starting with codon Histidine 337, changes this amino acid to Leucine residue, and creates a premature Stop codon at position 60 of the new reading frame. This variant is predicted to cause a loss of normal protein function through protein truncation. Loss of function variants have been previously reported to be disease-causing Guo et al., 2020. For these reasons, this variant has been classified as Likely Pathogenic.